The following is an entry in ClinVar:

ClinVar aggregate classification (germline): Uncertain significance (1 of 4 stars; one submission).

Conditions:
Congenital disorder of glycosylation, type Iaa. Also called: Congenital disorder of glycosylation, type 1aa. Identifiers: MedGen C4310727, MONDO:0014904, OMIM 617082.

gnomAD v4.1: 4 of 1,462,618 alleles (0.00027%); highest among the groups gnomAD compares: South Asian, 0.0012%; no homozygotes.

Submission:

Labcorp Genetics (formerly Invitae), Labcorp
Classification: Uncertain significance for Congenital disorder of glycosylation, type Iaa. Last evaluated: 2024-12-12. Review status: criteria provided, single submitter. Criteria: Invitae Variant Classification Sherloc (09022015). Collection method: clinical testing. Allele origin: germline.
Comment: This sequence change replaces threonine, which is neutral and polar, with methionine, which is neutral and non-polar, at codon 2 of the NUS1 protein (p.Thr2Met). This variant is not present in population databases (gnomAD no frequency). This variant has not been reported in the literature in individuals affected with NUS1-related conditions. An algorithm developed to predict the effect of missense changes on protein structure and function (PolyPhen-2) suggests that this variant is likely to be disruptive. In summary, the available evidence is currently insufficient to determine the role of this variant in disease. Therefore, it has been classified as a Variant of Uncertain Significance.

NM_138459.5(NUS1):c.5C>T (p.Thr2Met)

Gene: NUS1 (NUS1 dehydrodolichyl diphosphate synthase subunit; plus strand). Cytogenetic location: 6q22.1.
Variant type: single nucleotide variant.
Coding change: c.5C>T on transcript NM_138459.5 (MANE Select); coding-DNA position 5, C replaced by T.
Protein change: p.Thr2Met; replaces threonine 2 with methionine.
Molecular consequence: missense variant.
Genome position (GRCh38, 1-based): chr6:117,675,675, C>T. VCF-style: chr6-117675675-C-T. GRCh37 (hg19) VCF-style: chr6-117996838-C-T.
Other names: short protein forms T2M.
Identifiers: ClinVar variation 3619351 (VCV003619351.2).